The following is an entry in ClinVar:

NM_000390.4(CHM):c.971T>A (p.Leu324Ter)

Gene: CHM (CHM Rab escort protein; minus strand). Cytogenetic location: Xq21.2.
Variant type: single nucleotide variant.
Coding change: c.971T>A on transcript NM_000390.4 (MANE Select); coding-DNA position 971, T replaced by A.
Protein change: p.Leu324Ter; replaces leucine 324 with a stop codon.
Molecular consequence: nonsense.
Genome position (GRCh38, 1-based): chrX:85,956,348, A>T on the plus strand (T>A on the coding strand, the complement: CHM is on the minus strand). VCF-style: chrX-85956348-A-T. GRCh37 (hg19) VCF-style: chrX-85211353-A-T.
Other names: c.527T>A, p.Leu176Ter (NM_001320959.1, NM_001362517.1, NM_001362518.2 and 1 more transcripts); short protein forms L176*, L324*.
Identifiers: ClinVar variation 2818034 (VCV002818034.3), dbSNP rs1930006988, ClinGen allele CA413785469.

ClinVar aggregate classification (germline): Pathogenic (1 of 4 stars; one submission).

Submission:

Labcorp Genetics (formerly Invitae), Labcorp
Classification: Pathogenic. Last evaluated: 2022-12-02. Review status: criteria provided, single submitter. Criteria: Invitae Variant Classification Sherloc (09022015). Collection method: clinical testing. Allele origin: germline.
Comment: For these reasons, this variant has been classified as Pathogenic. This variant has not been reported in the literature in individuals affected with CHM-related conditions. This variant is not present in population databases (gnomAD no frequency). This sequence change creates a premature translational stop signal (p.Leu324*) in the CHM gene. It is expected to result in an absent or disrupted protein product. Loss-of-function variants in CHM are known to be pathogenic (PMID: 9067750, 23811034).

Literature cited by the submitters: PubMed 9067750; PubMed 23811034.